The following is an entry in ClinVar:

NM_000632.4(ITGAM):c.2926C>T (p.Arg976Trp)

Gene: ITGAM (integrin subunit alpha M; plus strand). Cytogenetic location: 16p11.2.
Variant type: single nucleotide variant.
Coding change: c.2926C>T on transcript NM_000632.4 (MANE Select); coding-DNA position 2926, C replaced by T.
Protein change: p.Arg976Trp; replaces arginine 976 with tryptophan.
Molecular consequence: missense variant.
Genome position (GRCh38, 1-based): chr16:31,329,855, C>T. VCF-style: chr16-31329855-C-T. GRCh37 (hg19) VCF-style: chr16-31341176-C-T.
Other names: c.2929C>T, p.Arg977Trp (NM_001145808.2); short protein forms R977W, R976W.
Identifiers: ClinVar variation 3007065 (VCV003007065.3), dbSNP rs760510078, ClinGen allele CA8026014.

ClinVar aggregate classification (germline): Uncertain significance (1 of 4 stars; one submission).

Allele frequency attached by ClinVar (database versions not stated): TOPMed below 0.00001; gnomAD 0.00001; ExAC 0.00004.
gnomAD v4.1: 9 of 1,564,800 alleles (0.00058%); highest among the groups gnomAD compares: South Asian, 0.0071%; 1 homozygote.

Submission:

Labcorp Genetics (formerly Invitae), Labcorp
Classification: Uncertain significance. Last evaluated: 2023-02-10. Review status: criteria provided, single submitter. Criteria: Invitae Variant Classification Sherloc (09022015). Collection method: clinical testing. Allele origin: germline.
Comment: This sequence change replaces arginine, which is basic and polar, with tryptophan, which is neutral and slightly polar, at codon 976 of the ITGAM protein (p.Arg976Trp). The frequency data for this variant in the population databases is considered unreliable, as metrics indicate poor data quality at this position in the gnomAD database. This variant has not been reported in the literature in individuals affected with ITGAM-related conditions. Algorithms developed to predict the effect of missense changes on protein structure and function are either unavailable or do not agree on the potential impact of this missense change (SIFT: "Deleterious"; PolyPhen-2: "Benign"; Align-GVGD: "Class C0"). In summary, the available evidence is currently insufficient to determine the role of this variant in disease. Therefore, it has been classified as a Variant of Uncertain Significance.